The following is an entry in ClinVar:

ClinVar aggregate classification (germline): Uncertain significance (1 of 4 stars; one submission).

Conditions:
Lipoic acid synthetase deficiency. Also called: HYPERGLYCINEMIA, LACTIC ACIDOSIS, AND SEIZURES. Identifiers: Orphanet 401859, MedGen C3280887, MONDO:0013762, OMIM 614462.

Allele frequency attached by ClinVar (database versions not stated): TOPMed below 0.00001.

Submission:

Labcorp Genetics (formerly Invitae), Labcorp
Classification: Uncertain significance for Lipoic acid synthetase deficiency. Last evaluated: 2025-09-15. Review status: criteria provided, single submitter. Criteria: Invitae Variant Classification Sherloc (09022015). Collection method: clinical testing. Allele origin: germline.
Comment: This sequence change replaces isoleucine, which is neutral and non-polar, with valine, which is neutral and non-polar, at codon 273 of the LIAS protein (p.Ile273Val). This variant is not present in population databases (gnomAD no frequency). This variant has not been reported in the literature in individuals affected with LIAS-related conditions. ClinVar contains an entry for this variant (Variation ID: 1435577). Invitae Evidence Modeling of protein sequence and biophysical properties (such as structural, functional, and spatial information, amino acid conservation, physicochemical variation, residue mobility, and thermodynamic stability) indicates that this missense variant is not expected to disrupt LIAS protein function with a negative predictive value of 80%. In summary, the available evidence is currently insufficient to determine the role of this variant in disease. Therefore, it has been classified as a Variant of Uncertain Significance.

NM_006859.4(LIAS):c.817A>G (p.Ile273Val)

Gene: LIAS (lipoic acid synthetase; plus strand). Cytogenetic location: 4p14.
Variant type: single nucleotide variant.
Coding change: c.817A>G on transcript NM_006859.4 (MANE Select); coding-DNA position 817, A replaced by G.
Protein change: p.Ile273Val; replaces isoleucine 273 with valine.
Molecular consequence: missense variant.
Genome position (GRCh38, 1-based): chr4:39,470,098, A>G. VCF-style: chr4-39470098-A-G. GRCh37 (hg19) VCF-style: chr4-39471718-A-G.
Other names: c.688A>G, p.Ile230Val (NM_001278590.2); c.508A>G, p.Ile170Val (NM_001363700.2); c.817A>G, p.Ile273Val (NM_194451.3); short protein forms I230V, I170V, I273V.
Identifiers: ClinVar variation 1435577 (VCV001435577.5), dbSNP rs1744927078, ClinGen allele CA356665290.